The following is an entry in ClinVar:

NM_197968.4(ZMYM2):c.483AAG[1] (p.Arg162del)

Gene: ZMYM2 (zinc finger MYM-type containing 2; plus strand). Cytogenetic location: 13q12.11.
Variant type: Microsatellite.
Coding change: c.483AAG[1] on transcript NM_197968.4 (MANE Select); one copy of the 3-base unit AAG starting at c.483; the reference has two copies in a row; one copy, 3 bases deleted.
Protein change: p.Arg162del; deletes arginine 162.
Molecular consequence: inframe deletion. On other transcripts: non-coding transcript variant (1).
Genome position (GRCh38, 1-based): chr13:19,993,558-19,993,560, AAG deleted; deleting any 3 consecutive bases within chr13:19,993,555-19,993,560 gives the same sequence; the position shown is the placement nearest the transcript's 3' end. VCF-style (leftmost placement, unchanged base first): chr13-19993554-CAAG-C. GRCh37 (hg19) VCF-style: chr13-20567694-CAAG-C.
Other names: c.483AAG[1], p.Arg162del (NM_001190964.4, NM_001190965.4, NM_001353157.2 and 6 more transcripts); c.549AAG[1], p.Arg184del (NM_001353161.3); short protein forms R162del, R184del.
Identifiers: ClinVar variation 4874710 (VCV004874710.2).

ClinVar aggregate classification (germline): Uncertain significance (1 of 4 stars; one submission).

Submission:

CeGaT Center for Human Genetics Tuebingen
Classification: Uncertain significance. Last evaluated: 2026-04-01. Review status: criteria provided, single submitter. Criteria: CeGaT Center For Human Genetics Tuebingen Variant Classification Criteria Version 2. Collection method: clinical testing. Allele origin: germline. Affected: yes. Observed: 1 variant allele.
Comment: ZMYM2: PM2, PM4:Supporting